The following is an entry in ClinVar:

ClinVar aggregate classification (germline): Likely benign. Review status: criteria provided, multiple submitters, no conflicts (2 of 4 stars). 4 submissions from 4 submitters: Likely benign (2). 2 of the submissions do not count toward it. Last evaluated 2026-01-26.

Conditions:
MTTP-related disorder. Also called: MTTP-related condition.
Abetalipoproteinaemia (ABL). Also called: Abetalipoproteinemia; Abetalipoproteinemia neuropathy; Apolipoprotein B deficiency; Congenital betalipoprotein deficiency syndrome; MTP DEFICIENCY. Identifiers: Orphanet 14, MedGen C0000744, MONDO:0008692, OMIM 200100, HP:0008181.

Allele frequency attached by ClinVar (database versions not stated): gnomAD exomes 0.00007 and 0.00014; TOPMed 0.00008; gnomAD 0.00009 and 0.00010; ExAC 0.00012; ESP Exome Variant Server 0.00023.
gnomAD v4.1: 213 of 1,613,776 alleles (0.013%); highest among the groups gnomAD compares: Non-Finnish European, 0.017%; no homozygotes.

Submissions (4):

Labcorp Genetics (formerly Invitae), Labcorp
Classification: Likely benign. Last evaluated: 2026-01-26. Review status: criteria provided, single submitter. Criteria: Invitae Variant Classification Sherloc (09022015). Collection method: clinical testing. Allele origin: germline.

Blueprint Genetics
Classification: Likely benign. Last evaluated: 2024-11-13. Review status: criteria provided, single submitter. Criteria: ACMG Guidelines, 2015. Collection method: clinical testing. Allele origin: germline.

PreventionGenetics, part of Exact Sciences
Classification: Likely benign for MTTP-related condition. Last evaluated: 2022-01-25. Review status: no assertion criteria provided. Collection method: clinical testing. Allele origin: germline. Not counted in ClinVar's aggregate classification.
Comment: This variant is classified as likely benign based on ACMG/AMP sequence variant interpretation guidelines (Richards et al. 2015 PMID: 25741868, with internal and published modifications).

Natera, Inc.
Classification: Likely benign for Abetalipoproteinemia. Last evaluated: 2020-10-27. Review status: no assertion criteria provided. Collection method: clinical testing. Allele origin: germline. Not counted in ClinVar's aggregate classification.

NM_001386140.1(MTTP):c.1149T>C (p.Ser383=)

Gene: MTTP (microsomal triglyceride transfer protein; plus strand). Cytogenetic location: 4q23.
Variant type: single nucleotide variant.
Coding change: c.1149T>C on transcript NM_001386140.1 (MANE Select); coding-DNA position 1149, T replaced by C.
Protein change: p.Ser383=; no amino-acid change (serine 383 retained).
Molecular consequence: synonymous variant.
Genome position (GRCh38, 1-based): chr4:99,600,646, T>C. VCF-style: chr4-99600646-T-C. GRCh37 (hg19) VCF-style: chr4-100521803-T-C.
Other names: c.1149T>C, p.Ser383= (NM_000253.4); c.900T>C, p.Ser300= (NM_001300785.2).
Identifiers: ClinVar variation 777146 (VCV000777146.13), dbSNP rs374820674, ClinGen allele CA3022039.